The following is an entry in ClinVar:

NM_014804.3(KIAA0753):c.601C>T (p.His201Tyr)

Gene: KIAA0753 (KIAA0753; minus strand). Cytogenetic location: 17p13.1.
Variant type: single nucleotide variant.
Coding change: c.601C>T on transcript NM_014804.3 (MANE Select); coding-DNA position 601, C replaced by T.
Protein change: p.His201Tyr; replaces histidine 201 with tyrosine.
Molecular consequence: missense variant. On other transcripts: 5 prime UTR variant (1), non-coding transcript variant (3).
Genome position (GRCh38, 1-based): chr17:6,628,234, G>A on the plus strand (C>T on the coding strand, the complement: KIAA0753 is on the minus strand). VCF-style: chr17-6628234-G-A. GRCh37 (hg19) VCF-style: chr17-6531554-G-A.
Other names: c.-634C>T (NM_001351225.2); short protein forms H201Y.
Identifiers: ClinVar variation 1032640 (VCV001032640.6), dbSNP rs755693348, ClinGen allele CA8330745.
Genomic context (GRCh38, chr17:6,628,234, plus strand): 5'-GCTGGACTTCTAGCAGGCTTTTCTGTTCACTTATGTTTTTGTGGTCACCTATCCTGGGAT[G>A]AGGCTGAAGTCCCGGATCATGGGTGGGTGGCGAATTTGGCACAGTAAGATCTGACTGGCC-3'
Protein context (NP_055619.2, residues 191-211): PPTHDPGLQP[His201Tyr]PRIGDHKNIS

ClinVar aggregate classification (germline): Uncertain significance. Review status: criteria provided, multiple submitters, no conflicts (2 of 4 stars). 5 submissions from 5 submitters: Uncertain significance (5). Last evaluated 2026-01-27.

Conditions:
Orofaciodigital syndrome XV (OFD15). Also called: OFDS XV; ORAL-FACIAL-DIGITAL SYNDROME, TYPE XV. Identifiers: MedGen C4310701, MONDO:0014932, OMIM 617127.
Inborn genetic diseases. Identifiers: MedGen C0950123, MeSH D030342.

Allele frequency attached by ClinVar (database versions not stated): gnomAD 0.00004 and 0.00003; gnomAD exomes 0.00002 and 0.00006; TOPMed 0.00005; ExAC 0.00009.
gnomAD v4.1: 29 of 1,614,058 alleles (0.0018%); highest among the groups gnomAD compares: Admixed American, 0.032%; no homozygotes.

Submissions (5):

Labcorp Genetics (formerly Invitae), Labcorp
Classification: Uncertain significance. Last evaluated: 2026-01-27. Review status: criteria provided, single submitter. Criteria: Invitae Variant Classification Sherloc (09022015). Collection method: clinical testing. Allele origin: germline.
Comment: This sequence change replaces histidine, which is basic and polar, with tyrosine, which is neutral and polar, at codon 201 of the KIAA0753 protein (p.His201Tyr). This variant is present in population databases (rs755693348, gnomAD 0.03%). This variant has not been reported in the literature in individuals affected with KIAA0753-related conditions. ClinVar contains an entry for this variant (Variation ID: 1032640). An algorithm developed to predict the effect of missense changes on protein structure and function (PolyPhen-2) suggests that this variant is likely to be tolerated. In summary, the available evidence is currently insufficient to determine the role of this variant in disease. Therefore, it has been classified as a Variant of Uncertain Significance.

GeneDx
Classification: Uncertain significance. Last evaluated: 2024-05-24. Review status: criteria provided, single submitter. Criteria: GeneDx Variant Classification Process June 2021. Collection method: clinical testing. Allele origin: germline. Affected: yes.
Comment: In silico analysis indicates that this missense variant does not alter protein structure/function; Has not been previously published as pathogenic or benign to our knowledge

Ambry Genetics
Classification: Uncertain significance for Inborn genetic diseases. Last evaluated: 2024-03-01. Review status: criteria provided, single submitter. Criteria: Ambry Variant Classification Scheme 2023. Collection method: clinical testing. Allele origin: germline.

Blueprint Genetics
Classification: Uncertain significance. Last evaluated: 2020-10-07. Review status: criteria provided, single submitter. Criteria: ACMG Guidelines, 2015. Collection method: clinical testing. Allele origin: germline.

Baylor Genetics
Classification: Uncertain significance for Orofaciodigital syndrome XV. Last evaluated: 2018-04-02. Review status: criteria provided, single submitter. Criteria: ACMG Guidelines, 2015. Collection method: clinical testing. Allele origin: unknown. Affected: yes.
Comment: This variant was determined to be of uncertain significance according to ACMG Guidelines, 2015 [PMID:25741868].